The following is an entry in ClinVar:

NM_022437.3(ABCG8):c.1463C>A (p.Thr488Asn)

Gene: ABCG8 (ATP binding cassette subfamily G member 8; plus strand). Cytogenetic location: 2p21.
Variant type: single nucleotide variant.
Coding change: c.1463C>A on transcript NM_022437.3 (MANE Select); coding-DNA position 1463, C replaced by A.
Protein change: p.Thr488Asn; replaces threonine 488 with asparagine.
Molecular consequence: missense variant.
Genome position (GRCh38, 1-based): chr2:43,874,458, C>A. VCF-style: chr2-43874458-C-A. GRCh37 (hg19) VCF-style: chr2-44101597-C-A.
Other names: c.1460C>A, p.Thr487Asn (NM_001357321.2); c.1463C>A (NM_022437.2); short protein forms T487N, T488N.
Identifiers: ClinVar variation 1428638 (VCV001428638.9), dbSNP rs139612373, ClinGen allele CA1637465.
Genomic context (GRCh38, chr2:43,874,458, plus strand): 5'-ACTTTTTAGGTTACTCAGAGAGGGCAATGCTTTACTATGAACTGGAAGACGGGCTGTACA[C>A]CACTGGTCCATATTTCTTTGCCAAGGTGACTGGGCAGGGTTGAGAGCAAGTGCCCCCCAC-3'
Protein context (NP_071882.1, residues 478-498): LYYELEDGLY[Thr488Asn]TGPYFFAKIL

ClinVar aggregate classification (germline): Uncertain significance. Review status: criteria provided, multiple submitters, no conflicts (2 of 4 stars). 5 submissions from 5 submitters: Uncertain significance (5). Last evaluated 2026-06-15.

Conditions:
Sitosterolemia 1. Identifiers: MedGen C2749759, MONDO:0020747, OMIM 210250.
Gallbladder disease 4 (GBD4). Identifiers: MedGen C1969115, MONDO:1010151, OMIM 611465.
Cardiovascular phenotype. Identifiers: MedGen CN230736.
ABCG8-related disorder. Also called: ABCG8-related condition.

Allele frequency attached by ClinVar (database versions not stated): gnomAD exomes 0.00002 and 0.00004; TOPMed 0.00005; ExAC 0.00002.
gnomAD v4.1: 57 of 1,613,762 alleles (0.0035%); highest among the groups gnomAD compares: Middle Eastern, 0.033%; no homozygotes.

Submissions (5):

Ambry Genetics
Classification: Uncertain significance for Cardiovascular phenotype. Last evaluated: 2026-06-15. Review status: criteria provided, single submitter. Criteria: Ambry Variant Classification Scheme 2023. Collection method: clinical testing. Allele origin: germline.
Comment: The p.T488N variant (also known as c.1463C>A), located in coding exon 10 of the ABCG8 gene, results from a C to A substitution at nucleotide position 1463. The threonine at codon 488 is replaced by asparagine, an amino acid with similar properties. This variant was reported in individual(s) with features consistent with hypercholesterolemia (Reeskamp LF et al. J Clin Lipidol, 2020 Jan;14:207-217.e7). This amino acid position is not well conserved in available vertebrate species. In addition, this alteration is predicted to be tolerated by in silico analysis. Based on the available evidence, the clinical significance of this variant remains unclear.

PreventionGenetics, part of Exact Sciences
Classification: Uncertain significance for ABCG8-related condition. Last evaluated: 2026-01-13. Review status: criteria provided, single submitter. Criteria: ACMG Guidelines, 2015. Collection method: clinical testing. Allele origin: germline.
Comment: The ABCG8 c.1463C>A variant is predicted to result in the amino acid substitution p.Thr488Asn. This variant has been reported in a cohort study with familial hypercholesterolemia (Reeskamp et al. 2020. PubMed ID: 32088153). This variant is reported in 0.0054% of alleles in individuals of European (Non-Finnish) descent in gnomAD. At this time, the clinical significance of this variant is uncertain due to the absence of conclusive functional and genetic evidence.

Labcorp Genetics (formerly Invitae), Labcorp
Classification: Uncertain significance. Last evaluated: 2024-12-23. Review status: criteria provided, single submitter. Criteria: Invitae Variant Classification Sherloc (09022015). Collection method: clinical testing. Allele origin: germline.
Comment: This sequence change replaces threonine, which is neutral and polar, with asparagine, which is neutral and polar, at codon 488 of the ABCG8 protein (p.Thr488Asn). This variant is present in population databases (rs139612373, gnomAD 0.004%). This missense change has been observed in individual(s) with clinical features of ABCG8-related conditions (PMID: 32088153). ClinVar contains an entry for this variant (Variation ID: 1428638). Invitae Evidence Modeling of protein sequence and biophysical properties (such as structural, functional, and spatial information, amino acid conservation, physicochemical variation, residue mobility, and thermodynamic stability) indicates that this missense variant is not expected to disrupt ABCG8 protein function with a negative predictive value of 80%. In summary, the available evidence is currently insufficient to determine the role of this variant in disease. Therefore, it has been classified as a Variant of Uncertain Significance.

Revvity Omics, Revvity
Classification: Uncertain significance for Sitosterolemia 1. Last evaluated: 2022-08-18. Review status: criteria provided, single submitter. Criteria: ACMG Guidelines, 2015. Collection method: clinical testing. Allele origin: germline.

Fulgent Genetics
Classification: Uncertain significance for Sitosterolemia 1; Gallbladder disease 4. Last evaluated: 2021-10-14. Review status: criteria provided, single submitter. Criteria: ACMG Guidelines, 2015. Collection method: clinical testing. Allele origin: unknown.

Literature cited by the submitters: PubMed 32088153 (cited by Ambry Genetics and Labcorp Genetics (formerly Invitae), Labcorp).